The following is an entry in ClinVar:

NM_183374.3(CYP26C1):c.862G>A (p.Glu288Lys)

Gene: CYP26C1 (cytochrome P450 family 26 subfamily C member 1; plus strand). Cytogenetic location: 10q23.33.
Variant type: single nucleotide variant.
Coding change: c.862G>A on transcript NM_183374.3 (MANE Select); coding-DNA position 862, G replaced by A.
Protein change: p.Glu288Lys; replaces glutamic acid 288 with lysine.
Molecular consequence: missense variant.
Genome position (GRCh38, 1-based): chr10:93,065,956, G>A. VCF-style: chr10-93065956-G-A. GRCh37 (hg19) VCF-style: chr10-94825713-G-A.
Other names: c.862G>A (NM_183374.2); short protein forms E288K.
Identifiers: ClinVar variation 3025146 (VCV003025146.27), dbSNP rs202104039, ClinGen allele CA5605757.

ClinVar aggregate classification (germline): Conflicting classifications of pathogenicity. Review status: criteria provided, conflicting classifications (1 of 4 stars). 4 submissions from 4 submitters: Likely pathogenic (1); Uncertain significance (3). Last evaluated 2026-09-17.

Conditions:
Focal facial dermal dysplasia type IV. Also called: Focal facial dermal dysplasia 4. Identifiers: Orphanet 398166, Orphanet 398189, MedGen C3554246, MONDO:0013997, OMIM 614974.

Allele frequency attached by ClinVar (database versions not stated): ESP Exome Variant Server 0.00031; ExAC 0.00034; TOPMed 0.00037; gnomAD 0.00039; gnomAD exomes 0.00060.
gnomAD v4.1: 907 of 1,579,712 alleles (0.057%); highest among the groups gnomAD compares: Non-Finnish European, 0.069%; 2 homozygotes.

Submissions (4):

GeneDx
Classification: Likely pathogenic. Last evaluated: 2026-09-17. Review status: criteria provided, single submitter. Criteria: GeneDx Variant Classification Process June 2021. Collection method: clinical testing. Allele origin: germline.
Comment: In silico analysis supports that this missense variant has a deleterious effect on protein structure/function; Has not been previously published as pathogenic or benign to our knowledge

Dasa
Classification: Uncertain significance. Last evaluated: 2025-09-16. Review status: criteria provided, single submitter. Criteria: DASA Assertion Criteria. Collection method: clinical testing. Allele origin: germline.
Comment: NM_183374.3(CYP26C1):c.862G>A (p.Glu288Lys) is a missense variant that results in the substitution of glutamic acid with lysine. This variant is rare in population databases. Computational prediction algorithms are consistent with a deleterious effect. The currently available literature and clinical evidence are not sufficient to establish a definitive association between this variant and the reported condition. Therefore, this variant is classified as a variant of uncertain significance.

3billion
Classification: Uncertain significance for Focal facial dermal dysplasia type IV. Last evaluated: 2025-02-18. Review status: criteria provided, single submitter. Criteria: ACMG Guidelines, 2015. Collection method: clinical testing. Allele origin: germline. Affected: yes.
Comment: The variant is observed at an extremely low frequency in the gnomAD v4.1.0 dataset (total allele frequency: 0.057%). Predicted Consequence/Location: Missense variant. The majority of the known disease-causing variants of this gene are variants expected to result in premature termination of the protein. The variant has been reported as of uncertain significance (ClinVar ID: VCV003025146) Therefore, this variant is classified as VUS according to the recommendation of ACMG/AMP guideline.

CeGaT Center for Human Genetics Tuebingen
Classification: Uncertain significance. Last evaluated: 2024-03-01. Review status: criteria provided, single submitter. Criteria: CeGaT Center For Human Genetics Tuebingen Variant Classification Criteria Version 2. Collection method: clinical testing. Allele origin: germline. Affected: yes. Observed: 2 variant alleles.
Comment: CYP26C1: PM2, PM3:Supporting, PP4